The following is an entry in ClinVar:

ClinVar aggregate classification (germline): Likely benign (1 of 4 stars; one submission).

Conditions:
ZNFX1-related disorder. Also called: ZNFX1-related condition.

gnomAD v4.1: 7 of 1,614,058 alleles (0.00043%); highest among the groups gnomAD compares: Admixed American, 0.0033%; no homozygotes.

Submission:

PreventionGenetics, part of Exact Sciences
Classification: Likely benign for ZNFX1-related condition. Last evaluated: 2025-01-28. Review status: criteria provided, single submitter. Criteria: ACMG Guidelines, 2015. Collection method: clinical testing. Allele origin: germline.
Comment: This variant is classified as likely benign based on ACMG/AMP sequence variant interpretation guidelines (Richards et al. 2015 PMID: 25741868, with internal and published modifications).

NM_021035.3(ZNFX1):c.4869G>A (p.Gln1623=)

Gene: ZNFX1 (zinc finger NFX1-type containing 1; minus strand). Cytogenetic location: 20q13.13.
Variant type: single nucleotide variant.
Coding change: c.4869G>A on transcript NM_021035.3 (MANE Select); coding-DNA position 4869, G replaced by A.
Protein change: p.Gln1623=; no amino-acid change (glutamine 1623 retained).
Molecular consequence: synonymous variant.
Genome position (GRCh38, 1-based): chr20:49,248,155, C>T on the plus strand (G>A on the coding strand, the complement: ZNFX1 is on the minus strand). VCF-style: chr20-49248155-C-T. GRCh37 (hg19) VCF-style: chr20-47864692-C-T.
Identifiers: ClinVar variation 4987326 (VCV004987326.1).